The following is an entry in ClinVar:

ClinVar aggregate classification (germline): Uncertain significance. Review status: criteria provided, multiple submitters, no conflicts (2 of 4 stars). 2 submissions from 2 submitters: Uncertain significance (2). Last evaluated 2025-05-15.

Conditions:
Hereditary cancer-predisposing syndrome. Also called: Neoplastic Syndromes, Hereditary; Hereditary Cancer Syndrome; Hereditary neoplastic syndrome; Tumor predisposition. Identifiers: Orphanet 140162, MedGen C0027672, MeSH D009386, MONDO:0015356.
Bloom syndrome (BLM). Also called: Bloom-Torre-Machacek syndrome. Identifiers: Orphanet 125, MedGen C0005859, MONDO:0008876, OMIM 210900.

Submissions (2):

Ambry Genetics
Classification: Uncertain significance for Hereditary cancer-predisposing syndrome. Last evaluated: 2025-05-15. Review status: criteria provided, single submitter. Criteria: Ambry Variant Classification Scheme 2023. Collection method: clinical testing. Allele origin: germline.
Comment: The p.Q371H variant (also known as c.1113G>C), located in coding exon 5 of the BLM gene, results from a G to C substitution at nucleotide position 1113. The glutamine at codon 371 is replaced by histidine, an amino acid with highly similar properties. This amino acid position is conserved. In addition, this alteration is predicted to be tolerated by in silico analysis. Since supporting evidence is limited at this time, the clinical significance of this alteration remains unclear.

Labcorp Genetics (formerly Invitae), Labcorp
Classification: Uncertain significance for Bloom syndrome. Last evaluated: 2024-10-19. Review status: criteria provided, single submitter. Criteria: Invitae Variant Classification Sherloc (09022015). Collection method: clinical testing. Allele origin: germline.
Comment: This sequence change replaces glutamine, which is neutral and polar, with histidine, which is basic and polar, at codon 371 of the BLM protein (p.Gln371His). This variant is not present in population databases (gnomAD no frequency). This variant has not been reported in the literature in individuals affected with BLM-related conditions. ClinVar contains an entry for this variant (Variation ID: 2561120). Invitae Evidence Modeling of protein sequence and biophysical properties (such as structural, functional, and spatial information, amino acid conservation, physicochemical variation, residue mobility, and thermodynamic stability) indicates that this missense variant is not expected to disrupt BLM protein function with a negative predictive value of 80%. In summary, the available evidence is currently insufficient to determine the role of this variant in disease. Therefore, it has been classified as a Variant of Uncertain Significance.

NM_000057.4(BLM):c.1113G>C (p.Gln371His)

Gene: BLM (BLM RecQ like helicase; plus strand). Cytogenetic location: 15q26.1.
Variant type: single nucleotide variant.
Coding change: c.1113G>C on transcript NM_000057.4 (MANE Select); coding-DNA position 1113, G replaced by C.
Protein change: p.Gln371His; replaces glutamine 371 with histidine.
Molecular consequence: missense variant. On other transcripts: 5 prime UTR variant (1).
Genome position (GRCh38, 1-based): chr15:90,760,172, G>C. VCF-style: chr15-90760172-G-C. GRCh37 (hg19) VCF-style: chr15-91303402-G-C.
Other names: c.1113G>C, p.Gln371His (NM_001287246.2, NM_001287247.2); c.-13G>C (NM_001287248.2); short protein forms Q371H.
Identifiers: ClinVar variation 2561120 (VCV002561120.5), dbSNP rs760446922, ClinGen allele CA393842336.